The following is an entry in ClinVar:

NM_001015877.2(PHF6):c.380A>G (p.Tyr127Cys)

Gene: PHF6 (PHD finger protein 6; plus strand). Cytogenetic location: Xq26.2.
Variant type: single nucleotide variant.
Coding change: c.380A>G on transcript NM_001015877.2 (MANE Select); coding-DNA position 380, A replaced by G.
Protein change: p.Tyr127Cys; replaces tyrosine 127 with cysteine.
Molecular consequence: missense variant.
Genome position (GRCh38, 1-based): chrX:134,393,914, A>G. VCF-style: chrX-134393914-A-G. GRCh37 (hg19) VCF-style: chrX-133527944-A-G.
Other names: c.380A>G, p.Tyr127Cys (NM_032335.3, NM_032458.3); short protein forms Y127C.
Identifiers: ClinVar variation 1307095 (VCV001307095.3), dbSNP rs911570058, ClinGen allele CA336027815.

ClinVar aggregate classification (germline): Uncertain significance. Review status: criteria provided, multiple submitters, no conflicts (2 of 4 stars). 2 submissions from 2 submitters: Uncertain significance (2). Last evaluated 2024-04-28.

Conditions:
Borjeson-Forssman-Lehmann syndrome (BFLS). Also called: BORJESON SYNDROME; MENTAL RETARDATION, X-LINKED, SYNDROMIC, BORJESON-FORSSMAN-LEHMANN TYPE; MENTAL RETARDATION, EPILEPSY, AND ENDOCRINE DISORDERS. Identifiers: Orphanet 127, MedGen C0265339, MONDO:0010537, OMIM 301900.

Allele frequency attached by ClinVar (database versions not stated): gnomAD exomes below 0.00001; gnomAD 0.00001; TOPMed 0.00001.
gnomAD v4.1: 3 of 1,207,195 alleles (0.00025%); highest among the groups gnomAD compares: Admixed American, 0.0022%; no homozygotes.

Submissions (2):

Fulgent Genetics
Classification: Uncertain significance for Borjeson-Forssman-Lehmann syndrome. Last evaluated: 2024-04-28. Review status: criteria provided, single submitter. Criteria: ACMG Guidelines, 2015. Collection method: clinical testing. Allele origin: germline.

GeneDx
Classification: Uncertain significance. Last evaluated: 2019-08-06. Review status: criteria provided, single submitter. Criteria: GeneDx Variant Classification Process June 2021. Collection method: clinical testing. Allele origin: germline. Affected: yes.
Comment: Not observed in large population cohorts (Lek et al., 2016); In silico analysis, which includes protein predictors and evolutionary conservation, supports a deleterious effect; Has not been previously published as pathogenic or benign to our knowledge